The following is an entry in ClinVar:

ClinVar aggregate classification (germline): Likely pathogenic (1 of 4 stars; one submission).

Conditions:
Intellectual developmental disorder, autosomal dominant 50, with behavioral abnormalities. Also called: MENTAL RETARDATION, AUTOSOMAL DOMINANT 50; Intellectual disability, autosomal dominant 50. Identifiers: MedGen C4540470, MONDO:0030916, OMIM 617787.

Submission:

Laboratorio de Genetica e Diagnostico Molecular, Hospital Israelita Albert Einstein
Classification: Likely pathogenic for Intellectual developmental disorder, autosomal dominant 50, with behavioral abnormalities. Last evaluated: 2025-02-25. Review status: criteria provided, single submitter. Criteria: ACMG Guidelines, 2015. Collection method: clinical testing. Allele origin: germline. Affected: yes.
Comment: ACMG classification criteria: PVS1 very strong, PM2 supporting

NM_057175.5(NAA15):c.230del (p.Asp76_Leu77insTer)

Gene: NAA15 (N-alpha-acetyltransferase 15, NatA auxiliary subunit; plus strand). Cytogenetic location: 4q31.1.
Variant type: Deletion.
Coding change: c.230del on transcript NM_057175.5 (MANE Select); coding-DNA position 230, one base deleted (T; older notation c.230delT).
Protein change: p.Asp76_Leu77insTer.
Molecular consequence: nonsense.
Genome position (GRCh38, 1-based): chr4:139,336,938, T deleted; the last of 2 consecutive T bases (chr4:139,336,937-139,336,938); deleting either gives the same sequence. VCF-style (leftmost placement, unchanged base first): chr4-139336936-CT-C. GRCh37 (hg19) VCF-style: chr4-140258090-CT-C.
Other names: c.230del, p.Asp76_Leu77insTer (NM_001410842.1).
Identifiers: ClinVar variation 4056637 (VCV004056637.1).